The following is an entry in ClinVar:

NM_080424.4(SP110):c.1340A>G (p.His447Arg)

Gene: SP110 (SP110 nuclear body protein; minus strand). Cytogenetic location: 2q37.1.
Variant type: single nucleotide variant.
Coding change: c.1340A>G on transcript NM_080424.4 (MANE Select); coding-DNA position 1340, A replaced by G.
Protein change: p.His447Arg; replaces histidine 447 with arginine.
Molecular consequence: missense variant.
Genome position (GRCh38, 1-based): chr2:230,183,580, T>C on the plus strand (A>G on the coding strand, the complement: SP110 is on the minus strand). VCF-style: chr2-230183580-T-C. GRCh37 (hg19) VCF-style: chr2-231048296-T-C.
Other names: c.1340A>G (NM_004509.3); c.1358A>G, p.His453Arg (NM_001185015.2, NM_001378442.1, NM_001378444.1 and 2 more transcripts); c.1340A>G, p.His447Arg (NM_001378443.1, NM_004509.5, NM_004510.4); c.1190A>G, p.His397Arg (NM_001378447.1); short protein forms H397R, H447R, H453R.
Identifiers: ClinVar variation 2172373 (VCV002172373.2), dbSNP rs202062604, ClinGen allele CA2154542.

ClinVar aggregate classification (germline): Uncertain significance. Review status: criteria provided, multiple submitters, no conflicts (2 of 4 stars). 2 submissions from 2 submitters: Uncertain significance (2). Last evaluated 2025-03-01.

Conditions:
Inborn genetic diseases. Identifiers: MedGen C0950123, MeSH D030342.
Hepatic veno-occlusive disease-immunodeficiency syndrome. Also called: Hepatic Veno-Occlusive Disease with Immunodeficiency. Identifiers: Orphanet 79124, MedGen C1856128, MONDO:0009338, OMIM 235550. Disease mechanism: loss of function.

Allele frequency attached by ClinVar (database versions not stated): gnomAD exomes below 0.00001; ExAC 0.00004; ESP Exome Variant Server 0.00008; TOPMed 0.00008; gnomAD 0.00009; 1000 Genomes Project 0.00040; 1000 Genomes Project 30x 0.00047.
gnomAD v4.1: 18 of 1,609,582 alleles (0.0011%); highest among the groups gnomAD compares: African/African-American, 0.021%; no homozygotes.

Submissions (2):

Ambry Genetics
Classification: Uncertain significance for Inborn genetic diseases. Last evaluated: 2025-03-01. Review status: criteria provided, single submitter. Criteria: Ambry Variant Classification Scheme 2023. Collection method: clinical testing. Allele origin: germline.

Labcorp Genetics (formerly Invitae), Labcorp
Classification: Uncertain significance for Hepatic veno-occlusive disease-immunodeficiency syndrome. Last evaluated: 2022-07-08. Review status: criteria provided, single submitter. Criteria: Invitae Variant Classification Sherloc (09022015). Collection method: clinical testing. Allele origin: germline.
Comment: This sequence change replaces histidine, which is basic and polar, with arginine, which is basic and polar, at codon 447 of the SP110 protein (p.His447Arg). This variant is present in population databases (rs202062604, gnomAD 0.03%). This variant has not been reported in the literature in individuals affected with SP110-related conditions. Algorithms developed to predict the effect of missense changes on protein structure and function (SIFT, PolyPhen-2, Align-GVGD) all suggest that this variant is likely to be tolerated. In summary, the available evidence is currently insufficient to determine the role of this variant in disease. Therefore, it has been classified as a Variant of Uncertain Significance.